The following is an entry in ClinVar:

ClinVar aggregate classification (germline): Uncertain significance. Review status: criteria provided, multiple submitters, no conflicts (2 of 4 stars). 3 submissions from 3 submitters: Uncertain significance (3). Last evaluated 2025-05-22.

Conditions:
Hereditary cancer-predisposing syndrome. Also called: Hereditary Cancer Syndrome; Neoplastic Syndromes, Hereditary; Tumor predisposition; Hereditary neoplastic syndrome. Identifiers: Orphanet 140162, MedGen C0027672, MeSH D009386, MONDO:0015356.
Familial melanoma. Also called: Hereditary melanoma; Hereditary cutaneous melanoma. Identifiers: Orphanet 618, MedGen C1512419, MONDO:0018961.

Allele frequency attached by ClinVar (database versions not stated): ExAC 0.00001; gnomAD exomes 0.00001.
gnomAD v4.1: 13 of 1,601,950 alleles (0.00081%); highest among the groups gnomAD compares: South Asian, 0.013%; no homozygotes.

Submissions (3):

Ambry Genetics
Classification: Uncertain significance for Hereditary cancer-predisposing syndrome. Last evaluated: 2025-05-22. Review status: criteria provided, single submitter. Criteria: Ambry Variant Classification Scheme 2023. Collection method: clinical testing. Allele origin: germline.
Comment: The p.L60F variant (also known as c.178C>T), located in coding exon 1 of the CDKN2A (p14ARF) gene, results from a C to T substitution at nucleotide position 178. The leucine at codon 60 is replaced by phenylalanine, an amino acid with highly similar properties. This amino acid position is poorly conserved in available vertebrate species. Based on the available evidence, the clinical significance of this variant remains unclear.

Center for Genomic Medicine, Rigshospitalet, Copenhagen University Hospital
Classification: Uncertain significance. Last evaluated: 2025-03-04. Review status: criteria provided, single submitter. Criteria: ACMG Guidelines, 2015. Collection method: clinical testing. Allele origin: germline.

Labcorp Genetics (formerly Invitae), Labcorp
Classification: Uncertain significance for Familial melanoma. Last evaluated: 2019-05-25. Review status: criteria provided, single submitter. Criteria: Invitae Variant Classification Sherloc (09022015). Collection method: clinical testing. Allele origin: germline.
Comment: This sequence change replaces leucine with phenylalanine at codon 60 of the CDKN2A (p14ARF) protein (p.Leu60Phe). The leucine residue is weakly conserved and there is a small physicochemical difference between leucine and phenylalanine. This variant is present in population databases (rs769257927, ExAC 0.006%). This variant has not been reported in the literature in individuals with CDKN2A (p14ARF)-related disease. Algorithms developed to predict the effect of missense changes on protein structure and function (SIFT, PolyPhen-2, Align-GVGD) all suggest that this variant is likely to be tolerated, but these predictions have not been confirmed by published functional studies and their clinical significance is uncertain. In summary, the available evidence is currently insufficient to determine the role of this variant in disease. Therefore, it has been classified as a Variant of Uncertain Significance.

NM_058195.4(CDKN2A):c.178C>T (p.Leu60Phe)

Gene: CDKN2A (cyclin dependent kinase inhibitor 2A; minus strand). Cytogenetic location: 9p21.3.
Variant type: single nucleotide variant.
Coding change: c.178C>T on transcript NM_058195.4 (MANE Plus Clinical); coding-DNA position 178, C replaced by T.
Protein change: p.Leu60Phe; replaces leucine 60 with phenylalanine.
Molecular consequence: missense variant. On other transcripts: intron variant (1).
Genome position (GRCh38, 1-based): chr9:21,994,154, G>A on the plus strand (C>T on the coding strand, the complement: CDKN2A is on the minus strand). VCF-style: chr9-21994154-G-A. GRCh37 (hg19) VCF-style: chr9-21994153-G-A.
Other names: c.-4+667C>T (NM_001363763.2); short protein forms L60F.
Identifiers: ClinVar variation 532286 (VCV000532286.6), dbSNP rs769257927, ClinGen allele CA5012377.